The following is an entry in ClinVar:

ClinVar aggregate classification (germline): Pathogenic (1 of 4 stars; one submission).

Conditions:
Nemaline myopathy. Also called: Myopathies, Nemaline. Identifiers: Orphanet 607, MedGen C0206157, MONDO:0018958.

Allele frequency attached by ClinVar (database versions not stated): gnomAD exomes below 0.00001; ExAC 0.00001.
gnomAD v4.1: 1 of 1,613,354 alleles (0.000062%); highest among the groups gnomAD compares: Non-Finnish European, 0.000085%; no homozygotes.

Submission:

Muscle and Diseases Team, Institut de Génétique et Biologie Moléculaire et Cellulaire
Classification: Pathogenic for Nemaline myopathy. Last evaluated: 2024-03-01. Review status: criteria provided, single submitter. Criteria: ACMG Guidelines, 2015. Collection method: research. Allele origin: germline. Affected: yes. Observed: 1 variant allele.
Comment: PVS1+PS3+PM2+PP3+PP4

Literature cited by the submitters: DOI 10.1186/s13073-024-01353-0; PubMed 28220527.

NM_032578.4(MYPN):c.3158+1G>A

Gene: MYPN (myopalladin; plus strand). Cytogenetic location: 10q21.3.
Variant type: single nucleotide variant.
Coding change: c.3158+1G>A on transcript NM_032578.4 (MANE Select); the canonical splice donor site of the intron after coding-DNA position 3158, G replaced by A.
Molecular consequence: splice donor variant.
Genome position (GRCh38, 1-based): chr10:68,195,533, G>A. VCF-style: chr10-68195533-G-A. GRCh37 (hg19) VCF-style: chr10-69955290-G-A.
Other names: c.3158+1G>A (NM_001256267.2); c.2276+1G>A (NM_001256268.2).
Identifiers: ClinVar variation 3233263 (VCV003233263.2), dbSNP rs778885362.